The following is an entry in ClinVar:

ClinVar aggregate classification (germline): Uncertain significance (1 of 4 stars; one submission).

Conditions:
Cowden syndrome 6 (CWS6). Identifiers: Orphanet 201, MedGen C3554519, MONDO:0014048, OMIM 615109.

gnomAD v4.1: 1 of 1,611,100 alleles (0.000062%); no homozygotes.

Submission:

Labcorp Genetics (formerly Invitae), Labcorp
Classification: Uncertain significance for Cowden syndrome 6. Last evaluated: 2018-10-06. Review status: criteria provided, single submitter. Criteria: Invitae Variant Classification Sherloc (09022015). Collection method: clinical testing. Allele origin: germline.
Comment: This variant is not present in population databases (ExAC no frequency). This variant has not been reported in the literature in individuals with AKT1-related disease. Algorithms developed to predict the effect of missense changes on protein structure and function are either unavailable or do not agree on the potential impact of this missense change (SIFT: "Tolerated"; PolyPhen-2: "Possibly Damaging"; Align-GVGD: "Class C0"). In summary, the available evidence is currently insufficient to determine the role of this variant in disease. Therefore, it has been classified as a Variant of Uncertain Significance. This sequence change replaces asparagine with serine at codon 231 of the AKT1 protein (p.Asn231Ser). The asparagine residue is highly conserved and there is a small physicochemical difference between asparagine and serine.

NM_001382430.1(AKT1):c.692A>G (p.Asn231Ser)

Gene: AKT1 (AKT serine/threonine kinase 1; minus strand). Cytogenetic location: 14q32.33.
Variant type: single nucleotide variant.
Coding change: c.692A>G on transcript NM_001382430.1 (MANE Select); coding-DNA position 692, A replaced by G.
Protein change: p.Asn231Ser; replaces asparagine 231 with serine.
Molecular consequence: missense variant.
Genome position (GRCh38, 1-based): chr14:104,773,922, T>C on the plus strand (A>G on the coding strand, the complement: AKT1 is on the minus strand). VCF-style: chr14-104773922-T-C. GRCh37 (hg19) VCF-style: chr14-105240259-T-C.
Other names: c.692A>G, p.Asn231Ser (NM_001014431.2, NM_001014432.2, NM_001382431.1 and 3 more transcripts); short protein forms N231S.
Identifiers: ClinVar variation 661171 (VCV000661171.8), dbSNP rs1595243377, ClinGen allele CA391218733.